The following is an entry in ClinVar:

ClinVar aggregate classification (germline): Uncertain significance (1 of 4 stars; one submission).

gnomAD v4.1: 6 of 1,613,886 alleles (0.00037%); highest among the groups gnomAD compares: South Asian, 0.0011%; no homozygotes.

Submission:

Labcorp Genetics (formerly Invitae), Labcorp
Classification: Uncertain significance. Last evaluated: 2025-12-15. Review status: criteria provided, single submitter. Criteria: Invitae Variant Classification Sherloc (09022015). Collection method: clinical testing. Allele origin: germline.
Comment: This sequence change replaces glycine, which is neutral and non-polar, with arginine, which is basic and polar, at codon 140 of the ROR2 protein (p.Gly140Arg). This variant is not present in population databases (gnomAD no frequency). This variant has not been reported in the literature in individuals affected with ROR2-related conditions. An algorithm developed to predict the effect of missense changes on protein structure and function (PolyPhen-2) suggests that this variant is likely to be disruptive. In summary, the available evidence is currently insufficient to determine the role of this variant in disease. Therefore, it has been classified as a Variant of Uncertain Significance.

NM_004560.4(ROR2):c.418G>C (p.Gly140Arg)

Gene: ROR2 (receptor tyrosine kinase like orphan receptor 2; minus strand). Cytogenetic location: 9q22.31.
Variant type: single nucleotide variant.
Coding change: c.418G>C on transcript NM_004560.4 (MANE Select); coding-DNA position 418, G replaced by C.
Protein change: p.Gly140Arg; replaces glycine 140 with arginine.
Molecular consequence: missense variant.
Genome position (GRCh38, 1-based): chr9:91,757,317, C>G on the plus strand (G>C on the coding strand, the complement: ROR2 is on the minus strand). VCF-style: chr9-91757317-C-G. GRCh37 (hg19) VCF-style: chr9-94519599-C-G.
Other names: c.418G>C, p.Gly140Arg (NM_001318204.2); short protein forms G140R.
Identifiers: ClinVar variation 4709161 (VCV004709161.1).